The following is an entry in ClinVar:

NM_001382567.1(STIM1):c.271-14C>G

Gene: STIM1 (stromal interaction molecule 1; plus strand). Cytogenetic location: 11p15.4.
Variant type: single nucleotide variant.
Coding change: c.271-14C>G on transcript NM_001382567.1 (MANE Select); 14 bases into the intron before coding-DNA position 271, C replaced by G.
Molecular consequence: intron variant.
Genome position (GRCh38, 1-based): chr11:4,023,859, C>G. VCF-style: chr11-4023859-C-G. GRCh37 (hg19) VCF-style: chr11-4045089-C-G.
Other names: c.-219-14C>G (NM_001382581.1, NM_001382580.1); c.49-14C>G (NM_001382576.1, NM_001382574.1, NM_001382566.1 and 5 more transcripts); c.271-14C>G (NM_001382568.1, NM_001277962.2, NM_003156.4 and 3 more transcripts); c.136-14C>G (NM_001382569.1); c.-98-14C>G (NM_001382571.1).
Identifiers: ClinVar variation 1481395 (VCV001481395.8), dbSNP rs2136018670, ClinGen allele CA2573146082.

ClinVar aggregate classification (germline): Uncertain significance (1 of 4 stars; one submission).

Conditions:
Myopathy with tubular aggregates (TAM). Also called: Tubular Aggregate Myopathy. Identifiers: Orphanet 2593, MedGen C0410207, MONDO:0008051.
Stormorken syndrome (STRMK). Also called: THROMBOCYTOPATHY, ASPLENIA, AND MIOSIS. Identifiers: Orphanet 3204, MedGen C1861451, MONDO:0008497, OMIM 185070.
Combined immunodeficiency due to STIM1 deficiency. Also called: STIM1 DEFICIENCY; IMMUNODEFICIENCY 10. Identifiers: Orphanet 169090, Orphanet 317430, MedGen C2748557, MONDO:0013008, OMIM 612783.

Submission:

Labcorp Genetics (formerly Invitae), Labcorp
Classification: Uncertain significance for Myopathy with tubular aggregates; Combined immunodeficiency due to STIM1 deficiency; Stormorken syndrome. Last evaluated: 2022-12-03. Review status: criteria provided, single submitter. Criteria: Invitae Variant Classification Sherloc (09022015). Collection method: clinical testing. Allele origin: germline.
Comment: This variant has not been reported in the literature in individuals affected with STIM1-related conditions. This variant is not present in population databases (gnomAD no frequency). This sequence change falls in intron 2 of the STIM1 gene. It does not directly change the encoded amino acid sequence of the STIM1 protein. ClinVar contains an entry for this variant (Variation ID: 1481395). In summary, the available evidence is currently insufficient to determine the role of this variant in disease. Therefore, it has been classified as a Variant of Uncertain Significance. Algorithms developed to predict the effect of sequence changes on RNA splicing suggest that this variant may create or strengthen a splice site.